The following is an entry in ClinVar:

ClinVar aggregate classification (germline): Likely benign (1 of 4 stars; one submission).

Conditions:
PLXNA4-related disorder. Also called: PLXNA4-related condition.

Submission:

PreventionGenetics, part of Exact Sciences
Classification: Likely benign for PLXNA4-related condition. Last evaluated: 2025-09-03. Review status: criteria provided, single submitter. Criteria: ACMG Guidelines, 2015. Collection method: clinical testing. Allele origin: germline.
Comment: This variant is classified as likely benign based on ACMG/AMP sequence variant interpretation guidelines (Richards et al. 2015 PMID: 25741868, with internal and published modifications).

NM_020911.2(PLXNA4):c.1680G>A (p.Arg560=)

Gene: PLXNA4 (plexin A4; minus strand). Cytogenetic location: 7q32.3.
Variant type: single nucleotide variant.
Coding change: c.1680G>A on transcript NM_020911.2 (MANE Select); coding-DNA position 1680, G replaced by A.
Protein change: p.Arg560=; no amino-acid change (arginine 560 retained).
Molecular consequence: synonymous variant.
Genome position (GRCh38, 1-based): chr7:132,228,394, C>T on the plus strand (G>A on the coding strand, the complement: PLXNA4 is on the minus strand). VCF-style: chr7-132228394-C-T. GRCh37 (hg19) VCF-style: chr7-131913153-C-T.
Other names: c.1680G>A, p.Arg560= (NM_001393897.1).
Identifiers: ClinVar variation 4994289 (VCV004994289.1).